The following is an entry in ClinVar:

NM_001852.4(COL9A2):c.847-9G>A

Gene: COL9A2 (collagen type IX alpha 2 chain; minus strand). Cytogenetic location: 1p34.2.
Variant type: single nucleotide variant.
Coding change: c.847-9G>A on transcript NM_001852.4 (MANE Select); 9 bases into the intron before coding-DNA position 847, G replaced by A.
Molecular consequence: intron variant.
Genome position (GRCh38, 1-based): chr1:40,308,254, C>T on the plus strand (G>A on the coding strand, the complement: COL9A2 is on the minus strand). VCF-style: chr1-40308254-C-T. GRCh37 (hg19) VCF-style: chr1-40773926-C-T.
Identifiers: ClinVar variation 874400 (VCV000874400.14), dbSNP rs201625720, ClinGen allele CA791706.

ClinVar aggregate classification (germline): Likely benign. Review status: criteria provided, multiple submitters, no conflicts (2 of 4 stars). 4 submissions from 4 submitters: Likely benign (3). 1 of the submissions does not count toward it. Last evaluated 2026-01-26.

Conditions:
COL9A2-related disorder. Also called: COL9A2-related condition.
Epiphyseal dysplasia, multiple, 2 (EDM2). Also called: COL9A2-Related Multiple Epiphyseal Dysplasia. Identifiers: MedGen C1838429, MONDO:0010844, OMIM 600204.

Allele frequency attached by ClinVar (database versions not stated): gnomAD exomes 0.00004; ExAC 0.00005; gnomAD 0.00005; TOPMed 0.00008; 1000 Genomes Project 30x 0.00016; 1000 Genomes Project 0.00020.
gnomAD v4.1: 29 of 1,613,646 alleles (0.0018%); highest among the groups gnomAD compares: East Asian, 0.027%; no homozygotes.

Submissions (4):

Labcorp Genetics (formerly Invitae), Labcorp
Classification: Likely benign. Last evaluated: 2026-01-26. Review status: criteria provided, single submitter. Criteria: Invitae Variant Classification Sherloc (09022015). Collection method: clinical testing. Allele origin: germline.

Blueprint Genetics
Classification: Likely benign. Last evaluated: 2021-10-28. Review status: criteria provided, single submitter. Criteria: ACMG Guidelines, 2015. Collection method: clinical testing. Allele origin: germline.

Illumina Laboratory Services, Illumina
Classification: Likely benign for Epiphyseal dysplasia, multiple, 2. Last evaluated: 2018-01-12. Review status: criteria provided, single submitter. Criteria: ICSL Variant Classification Criteria 13 December 2019. Collection method: clinical testing. Allele origin: germline.
Comment: This variant was observed in the ICSL laboratory as part of a predisposition screen in an ostensibly healthy population. It had not been previously curated by ICSL or reported in the Human Gene Mutation Database (HGMD: prior to June 1st, 2018), and was therefore a candidate for classification through an automated scoring system. Utilizing variant allele frequency, disease prevalence and penetrance estimates, and inheritance mode, an automated score was calculated to assess if this variant is too frequent to cause the disease. Based on the score and internal cut-off values, a variant classified as likely benign is not then subjected to further curation. The score for this variant resulted in a classification of likely benign for this disease.

PreventionGenetics, part of Exact Sciences
Classification: Likely benign for COL9A2-related condition. Last evaluated: 2020-05-15. Review status: no assertion criteria provided. Collection method: clinical testing. Allele origin: germline. Not counted in ClinVar's aggregate classification.
Comment: This variant is classified as likely benign based on ACMG/AMP sequence variant interpretation guidelines (Richards et al. 2015 PMID: 25741868, with internal and published modifications).